The following is an entry in ClinVar:

ClinVar aggregate classification (germline): Pathogenic (1 of 4 stars; one submission).

Conditions:
Cobalamin C disease. Also called: Cobalamin-C methylmalonic acidemia and homocystinuria; Methylmalonic acidemia and homocystinuria cblC type; methylmalonic aciduria and homocystinuria type cblC; Methylmalonic aciduria and homocystinuria, Vitamin B12-responsive; Vitamin B12 metabolic defect with combined deficiency of methylmalonyl-CoA mutase and homocysteine:methyltetrahydrofolate methyltransferase; Methylmalonic aciduria with homocystinuria cblC type. Identifiers: Orphanet 26, Orphanet 79282, MedGen C1848561, MONDO:0010184, OMIM 277400.

Allele frequency attached by ClinVar (database versions not stated): gnomAD exomes below 0.00001; ExAC 0.00001.

Submission:

Labcorp Genetics (formerly Invitae), Labcorp
Classification: Pathogenic for Cobalamin C disease. Last evaluated: 2022-06-08. Review status: criteria provided, single submitter. Criteria: Invitae Variant Classification Sherloc (09022015). Collection method: clinical testing. Allele origin: germline.
Comment: This sequence change creates a premature translational stop signal (p.Glu217Argfs*28) in the MMACHC gene. While this is not anticipated to result in nonsense mediated decay, it is expected to disrupt the last 66 amino acid(s) of the MMACHC protein. This variant is present in population databases (rs773968018, gnomAD 0.003%). For these reasons, this variant has been classified as Pathogenic. This variant disrupts a region of the MMACHC protein in which other variant(s) (p.Tyr222*) have been determined to be pathogenic (PMID: 16311595, 19767224, 30157807). This suggests that this is a clinically significant region of the protein, and that variants that disrupt it are likely to be disease-causing. This variant has not been reported in the literature in individuals affected with MMACHC-related conditions.

Literature cited by the submitters: PubMed 16311595; PubMed 19767224; PubMed 30157807.

NM_015506.3(MMACHC):c.648dup (p.Glu217fs)

Genes: MMACHC (metabolism of cobalamin associated C; plus strand), LOC129930446 (ATAC-STARR-seq lymphoblastoid active region 972; plus strand). Cytogenetic location: 1p34.1.
Variant type: Duplication.
Coding change: c.648dup on transcript NM_015506.3 (MANE Select); coding-DNA position 648, one base duplicated (A; older notation c.648dupA).
Protein change: p.Glu217fs; shifts the reading frame from glutamic acid 217.
Molecular consequence: frameshift variant.
Genome position (GRCh38, 1-based): chr1:45,509,014, A duplicated. VCF-style (leftmost placement, unchanged base first): chr1-45509013-C-CA. GRCh37 (hg19) VCF-style: chr1-45974685-C-CA.
Other names: c.477dup, p.Glu160fs (NM_001330540.2); short protein forms E160fs, E217fs.
Identifiers: ClinVar variation 2003636 (VCV002003636.4), dbSNP rs773968018, ClinGen allele CA827822.